The following is an entry in ClinVar:

ClinVar aggregate classification (germline): Conflicting classifications of pathogenicity. Review status: criteria provided, conflicting classifications (1 of 4 stars). 3 submissions from 3 submitters: Uncertain significance (1); Likely benign (1). 1 of the submissions does not count toward it. Last evaluated 2024-07-15.

Conditions:
Primary ciliary dyskinesia. Also called: Ciliary dyskinesia. Identifiers: Orphanet 244, MedGen C0008780, MONDO:0016575, HP:0012265.

Allele frequency attached by ClinVar (database versions not stated): gnomAD 0.00001; TOPMed 0.00001; ExAC 0.00003; gnomAD exomes 0.00003; ESP Exome Variant Server 0.00008; 1000 Genomes Project 0.00040; 1000 Genomes Project 30x 0.00047.
gnomAD v4.1: 27 of 1,614,090 alleles (0.0017%); highest among the groups gnomAD compares: East Asian, 0.016%; no homozygotes.

Submissions (3):

Labcorp Genetics (formerly Invitae), Labcorp
Classification: Likely benign for Primary ciliary dyskinesia. Last evaluated: 2024-07-15. Review status: criteria provided, single submitter. Criteria: Invitae Variant Classification Sherloc (09022015). Collection method: clinical testing. Allele origin: germline.

Women's Health and Genetics/Laboratory Corporation of America, LabCorp
Classification: Uncertain significance. Last evaluated: 2024-03-27. Review status: criteria provided, single submitter. Criteria: LabCorp Variant Classification Summary - May 2015. Collection method: clinical testing. Allele origin: germline.
Comment: Variant summary: DNAH5 c.3064G>A (p.Val1022Ile) results in a conservative amino acid change in the encoded protein sequence. Five of five in-silico tools predict a benign effect of the variant on protein function. The variant allele was found at a frequency of 2.8e-05 in 251214 control chromosomes. The available data on variant occurrences in the general population are insufficient to allow any conclusion about variant significance. To our knowledge, no occurrence of c.3064G>A in individuals affected with Primary ciliary dyskinesia 3 and no experimental evidence demonstrating its impact on protein function have been reported. ClinVar contains an entry for this variant (Variation ID: 407235). Based on the evidence outlined above, the variant was classified as uncertain significance.

Natera, Inc.
Classification: Uncertain significance for Primary ciliary dyskinesia. Last evaluated: 2020-09-16. Review status: no assertion criteria provided. Collection method: clinical testing. Allele origin: germline. Not counted in ClinVar's aggregate classification.

NM_001369.3(DNAH5):c.3064G>A (p.Val1022Ile)

Genes: DNAH5 (dynein axonemal heavy chain 5; minus strand), DNAH5-AS1 (DNAH5 antisense RNA 1; plus strand). Cytogenetic location: 5p15.2.
Variant type: single nucleotide variant.
Coding change: c.3064G>A on transcript NM_001369.3 (MANE Select); coding-DNA position 3064, G replaced by A.
Protein change: p.Val1022Ile; replaces valine 1022 with isoleucine.
Molecular consequence: missense variant.
Genome position (GRCh38, 1-based): chr5:13,883,014, C>T on the plus strand (G>A on the coding strand, the complement: DNAH5 is on the minus strand). VCF-style: chr5-13883014-C-T. GRCh37 (hg19) VCF-style: chr5-13883123-C-T.
Other names: short protein forms V1022I.
Identifiers: ClinVar variation 407235 (VCV000407235.8), dbSNP rs375218798, ClinGen allele CA3204404.